The following is an entry in ClinVar:

ClinVar aggregate classification (germline): Benign. Review status: criteria provided, multiple submitters, no conflicts (2 of 4 stars). 2 submissions from 2 submitters: Benign (2). Last evaluated 2018-01-12.

Conditions:
Hypomaturation-hypoplastic amelogenesis imperfecta with taurodontism. Also called: Amelogenesis imperfecta, type IV. Identifiers: Orphanet 100034, Orphanet 88661, MedGen C1863012, MONDO:0007093, OMIM 104510. Disease mechanism: loss of function.

Allele frequency attached by ClinVar (database versions not stated): gnomAD exomes 0.00032; 1000 Genomes Project 0.00240; gnomAD 0.00266 and 0.00290; 1000 Genomes Project 30x 0.00312; TOPMed 0.00354.
gnomAD v4.1: 405 of 158,788 alleles (0.26%); highest among the groups gnomAD compares: African/African-American, 0.84%; 2 homozygotes.

Submissions (2):

Illumina Laboratory Services, Illumina
Classification: Benign for Hypomaturation-hypoplastic amelogenesis imperfecta with taurodontism. Last evaluated: 2018-01-12. Review status: criteria provided, single submitter. Criteria: ICSL Variant Classification Criteria 13 December 2019. Collection method: clinical testing. Allele origin: germline.
Comment: This variant was observed in the ICSL laboratory as part of a predisposition screen in an ostensibly healthy population. It had not been previously curated by ICSL or reported in the Human Gene Mutation Database (HGMD: prior to June 1st, 2018), and was therefore a candidate for classification through an automated scoring system. Utilizing variant allele frequency, disease prevalence and penetrance estimates, and inheritance mode, an automated score was calculated to assess if this variant is too frequent to cause the disease. Based on the score and internal cut-off values, a variant classified as benign is not then subjected to further curation. The score for this variant resulted in a classification of benign for this disease.

Breakthrough Genomics
Classification: Benign. Review status: criteria provided, single submitter. Criteria: ACMG Guidelines, 2015. Collection method: not provided. Allele origin: germline. Inheritance: Autosomal dominant inheritance. Affected: yes.

NM_005220.3(DLX3):c.*527G>A

Gene: DLX3 (distal-less homeobox 3; minus strand). Cytogenetic location: 17q21.33.
Variant type: single nucleotide variant.
Coding change: c.*527G>A on transcript NM_005220.3 (MANE Select); 527 bases downstream of the stop codon, G replaced by A.
Molecular consequence: 3 prime UTR variant.
Genome position (GRCh38, 1-based): chr17:49,990,990, C>T on the plus strand (G>A on the coding strand, the complement: DLX3 is on the minus strand). VCF-style: chr17-49990990-C-T. GRCh37 (hg19) VCF-style: chr17-48068354-C-T.
Identifiers: ClinVar variation 891159 (VCV000891159.5), dbSNP rs188986974, ClinGen allele CA291505205.